The following is an entry in ClinVar:

ClinVar aggregate classification (germline): Likely benign (1 of 4 stars; one submission).

Allele frequency attached by ClinVar (database versions not stated): gnomAD 0.00004 and 0.00008; TOPMed 0.00007; ExAC 0.00021; 1000 Genomes Project 30x 0.00047; 1000 Genomes Project 0.00060.
gnomAD v4.1: 122 of 1,553,108 alleles (0.0079%); highest among the groups gnomAD compares: East Asian, 0.24%; no homozygotes.

Submission:

GeneDx
Classification: Likely benign. Last evaluated: 2016-04-14. Review status: criteria provided, single submitter. Criteria: GeneDx Variant Classification (06012015). Collection method: clinical testing. Allele origin: germline. Affected: yes.
Comment: This variant is considered likely benign or benign based on one or more of the following criteria: it is a conservative change, it occurs at a poorly conserved position in the protein, it is predicted to be benign by multiple in silico algorithms, and/or has population frequency not consistent with disease.

NM_003321.5(TUFM):c.-11G>A

Genes: TUFM (Tu translation elongation factor, mitochondrial; minus strand), LOC130058735 (ATAC-STARR-seq lymphoblastoid active region 10645; plus strand). Cytogenetic location: 16p11.2.
Variant type: single nucleotide variant.
Coding change: c.-11G>A on transcript NM_003321.5 (MANE Select); 11 bases upstream of the start codon, G replaced by A.
Molecular consequence: 5 prime UTR variant.
Genome position (GRCh38, 1-based): chr16:28,846,280, C>T on the plus strand (G>A on the coding strand, the complement: TUFM is on the minus strand). VCF-style: chr16-28846280-C-T. GRCh37 (hg19) VCF-style: chr16-28857601-C-T.
Other names: c.-11G>A (NM_001365360.2).
Identifiers: ClinVar variation 385037 (VCV000385037.1), dbSNP rs374213688, ClinGen allele CA7985791.